The following is an entry in ClinVar:

NM_001034853.2(RPGR):c.2275G>T (p.Gly759Ter)

Gene: RPGR (retinitis pigmentosa GTPase regulator; minus strand). Cytogenetic location: Xp11.4.
Variant type: single nucleotide variant.
Coding change: c.2275G>T on transcript NM_001034853.2 (MANE Select); coding-DNA position 2275, G replaced by T.
Protein change: p.Gly759Ter; replaces glycine 759 with a stop codon.
Molecular consequence: nonsense. On other transcripts: intron variant (8).
Genome position (GRCh38, 1-based): chrX:38,286,724, C>A on the plus strand (G>T on the coding strand, the complement: RPGR is on the minus strand). VCF-style: chrX-38286724-C-A. GRCh37 (hg19) VCF-style: chrX-38145977-C-A.
Other names: c.1569+4235G>T (NM_001367249.1, NM_001367250.1); c.1902+370G>T (NM_001367245.1); c.1386+4235G>T (NM_001367251.1); c.1719+370G>T (NM_001367246.1); c.1572+4235G>T (NM_001367247.1); c.1905+370G>T (NM_000328.3); c.1602+4235G>T (NM_001367248.1); short protein forms G759*.
Identifiers: ClinVar variation 5038048 (VCV005038048.1).

ClinVar aggregate classification (germline): Pathogenic (3 of 4 stars; one submission).

Conditions:
RPGR-related retinopathy. Also called: RPGR retinopathy. Identifiers: MedGen CN305589, MONDO:0100437.

Submission:

ClinGen X-linked Inherited Retinal Disease Variant Curation Expert Panel, ClinGen
Classification: Pathogenic for RPGR-related retinopathy. Last evaluated: 2026-10-30. Review status: reviewed by expert panel. Criteria: ClinGen X LinkedIRD ACMG Specifications RPGR V1.0.0. Collection method: curation. Allele origin: germline. Inheritance: X-linked inheritance.
Comment: NM_001034853.2(RPGR):c.2275G>T (p.Gly759Ter) is a nonsense variant that introduces a premature stop codon into exon 15 of 15, which is predicted to disrupt a critical C-terminal region required for proper function of RPGR (PVS1, PMID: 36445968). This variant is absent from hemizygous individuals in gnomAD v4.1.2 (PM2_Supporting). At least one proband harboring this variant exhibits a phenotype including night blindness ( 0.5 pts), reduced visual acuity (0.5 pts), optic disc pallor (0.5 pts), pigmentary retinopathy (0.5 pts), early onset (1 pt), and genetic. testing by NGS + Sanger validation that did not identify an alternative basis for disease (2 pts), which together are specific for RPGR-related retinopathy (5 points, PMID: 36276946, PP4). In summary, this variant is classified as Pathogenic for RPGR-related retinopathy based on the ClinGen X-linked Inherited Retinal Disease Expert Panel Specifications to the ACMG/AMP Variant Interpretation Guidelines for RPGR Version 1.0.0: PVS1, PM2_Supporting, and PP4.